The following is an entry in ClinVar:

ClinVar aggregate classification (germline): Pathogenic (1 of 4 stars; one submission).

Submission:

CeGaT Center for Human Genetics Tuebingen
Classification: Pathogenic. Last evaluated: 2024-10-01. Review status: criteria provided, single submitter. Criteria: CeGaT Center For Human Genetics Tuebingen Variant Classification Criteria Version 2. Collection method: clinical testing. Allele origin: germline. Affected: yes. Observed: 1 variant allele.
Comment: NOTCH1: PVS1, PM2

NM_017617.5(NOTCH1):c.3656_3666del (p.Glu1219fs)

Gene: NOTCH1 (notch receptor 1; minus strand). Cytogenetic location: 9q34.3.
Variant type: Deletion.
Coding change: c.3656_3666del on transcript NM_017617.5 (MANE Select); coding-DNA positions 3656 to 3666, 11 bases deleted (AGATCAACGTG).
Protein change: p.Glu1219fs; shifts the reading frame from glutamic acid 1219.
Molecular consequence: frameshift variant.
Genome position (GRCh38, 1-based): chr9:136,506,951-136,506,961, CACGTTGATCT deleted on the plus strand (AGATCAACGTG on the coding strand, the reverse complement: NOTCH1 is on the minus strand); deleting any 11 consecutive bases within chr9:136,506,951-136,506,964 gives the same sequence; the c. name uses the placement nearest the transcript's 3' end. VCF-style (leftmost placement, unchanged base first): chr9-136506950-CCACGTTGATCT-C. GRCh37 (hg19) VCF-style: chr9-139401402-CCACGTTGATCT-C.
Other names: short protein forms E1219fs.
Identifiers: ClinVar variation 3389911 (VCV003389911.14).
Genomic context (GRCh38, chr9:136,506,950, plus strand): 5'-TGCCGTTGTTAAAGCACTTGGGGCTCCGGGACACGGGGTCAACGGGGGGATTGCAGTCGT[CCACGTTGATCT>C]CACAGTGCACACCTGCGGGGCCAGGTTTCGTCAGTGGCCCAAGCCCGCCACACCCCGGCC-3'